The following is an entry in ClinVar:

NM_001164508.2(NEB):c.3500A>G (p.His1167Arg)

Gene: NEB (nebulin; minus strand). Cytogenetic location: 2q23.3.
Variant type: single nucleotide variant.
Coding change: c.3500A>G on transcript NM_001164508.2 (MANE Select); coding-DNA position 3500, A replaced by G.
Protein change: p.His1167Arg; replaces histidine 1167 with arginine.
Molecular consequence: missense variant.
Genome position (GRCh38, 1-based): chr2:151,677,943, T>C on the plus strand (A>G on the coding strand, the complement: NEB is on the minus strand). VCF-style: chr2-151677943-T-C. GRCh37 (hg19) VCF-style: chr2-152534457-T-C.
Other names: c.3500A>G, p.His1167Arg (NM_001164507.2, NM_001271208.2, NM_004543.5); short protein forms H1167R.
Identifiers: ClinVar variation 1434539 (VCV001434539.5), dbSNP rs2154210444, ClinGen allele CA348818974.

ClinVar aggregate classification (germline): Uncertain significance (1 of 4 stars; one submission).

Conditions:
Nemaline myopathy 2 (NEM2). Also called: Nemaline myopathy 2, autosomal recessive. Identifiers: MedGen C1850569, MONDO:0009725, OMIM 256030.

Submission:

Labcorp Genetics (formerly Invitae), Labcorp
Classification: Uncertain significance for Nemaline myopathy 2. Last evaluated: 2022-08-01. Review status: criteria provided, single submitter. Criteria: Invitae Variant Classification Sherloc (09022015). Collection method: clinical testing. Allele origin: germline.
Comment: This sequence change replaces histidine, which is basic and polar, with arginine, which is basic and polar, at codon 1167 of the NEB protein (p.His1167Arg). This variant is not present in population databases (gnomAD no frequency). This variant has not been reported in the literature in individuals affected with NEB-related conditions. ClinVar contains an entry for this variant (Variation ID: 1434539). Algorithms developed to predict the effect of missense changes on protein structure and function are either unavailable or do not agree on the potential impact of this missense change (SIFT: "Deleterious"; PolyPhen-2: "Not Available"; Align-GVGD: "Class C0"). In summary, the available evidence is currently insufficient to determine the role of this variant in disease. Therefore, it has been classified as a Variant of Uncertain Significance.